The following is an entry in ClinVar:

ClinVar aggregate classification (germline): Pathogenic (1 of 4 stars; one submission).

Conditions:
Pheochromocytoma. Also called: MAX-Related Hereditary Paraganglioma-Pheochromocytoma Syndrome. Identifiers: Orphanet 29072, MedGen C0031511, MONDO:0008233, OMIM 171300, HP:0002666.
Pheochromocytoma/paraganglioma syndrome 4. Also called: CAROTID BODY TUMORS AND MULTIPLE EXTRAADRENAL PHEOCHROMOCYTOMAS; PARAGANGLIOMA, FAMILIAL MALIGNANT; PARAGANGLIOMAS, HEREDITARY EXTRAADRENAL; PHEOCHROMOCYTOMA, FAMILIAL EXTRAADRENAL; Paragangliomas 4; SDHB-Related Hereditary Paraganglioma-Pheochromocytoma Syndrome (Paragangliomas 4). Identifiers: Orphanet 29072, MedGen C1861848, MONDO:0007273, OMIM 115310.
Gastrointestinal stromal tumor. Also called: Gastrointestinal stroma tumor; Gastrointestinal stromal tumor, somatic. Identifiers: Orphanet 44890, MedGen C0238198, MeSH D046152, MONDO:0011719, OMIM 606764, HP:0100723.

Submission:

Labcorp Genetics (formerly Invitae), Labcorp
Classification: Pathogenic for Gastrointestinal stromal tumor; Pheochromocytoma/paraganglioma syndrome 4; Pheochromocytoma. Last evaluated: 2021-11-19. Review status: criteria provided, single submitter. Criteria: Invitae Variant Classification Sherloc (09022015). Collection method: clinical testing. Allele origin: germline.
Comment: This variant is not present in population databases (gnomAD no frequency). For these reasons, this variant has been classified as Pathogenic. This premature translational stop signal has been observed in individuals with SDHB-related conditions (PMID: 20418362, 31492822; Invitae). This sequence change creates a premature translational stop signal (p.Tyr61*) in the SDHB gene. It is expected to result in an absent or disrupted protein product. Loss-of-function variants in SDHB are known to be pathogenic (PMID: 19454582, 19802898).

Literature cited by the submitters: PubMed 20418362; PubMed 31492822; PubMed 19454582; PubMed 19802898.

NM_003000.3(SDHB):c.183T>A (p.Tyr61Ter)

Gene: SDHB (succinate dehydrogenase complex iron sulfur subunit B; minus strand). Cytogenetic location: 1p36.13.
Variant type: single nucleotide variant.
Coding change: c.183T>A on transcript NM_003000.3 (MANE Select); coding-DNA position 183, T replaced by A.
Protein change: p.Tyr61Ter; replaces tyrosine 61 with a stop codon.
Molecular consequence: nonsense.
Genome position (GRCh38, 1-based): chr1:17,044,778, A>T on the plus strand (T>A on the coding strand, the complement: SDHB is on the minus strand). VCF-style: chr1-17044778-A-T. GRCh37 (hg19) VCF-style: chr1-17371273-A-T.
Other names: short protein forms Y61*.
Identifiers: ClinVar variation 1380234 (VCV001380234.6), dbSNP rs760169139, ClinGen allele CA338227766.